The following is an entry in ClinVar:

ClinVar aggregate classification (germline): Uncertain significance (1 of 4 stars; one submission).

Conditions:
Hereditary cancer-predisposing syndrome. Also called: Neoplastic Syndromes, Hereditary; Tumor predisposition; Hereditary Cancer Syndrome; Hereditary neoplastic syndrome. Identifiers: Orphanet 140162, MedGen C0027672, MeSH D009386, MONDO:0015356.

Submission:

Ambry Genetics
Classification: Uncertain significance for Hereditary cancer-predisposing syndrome. Last evaluated: 2026-02-23. Review status: criteria provided, single submitter. Criteria: Ambry Variant Classification Scheme 2023. Collection method: clinical testing. Allele origin: germline.
Comment: The c.2358_2363delCTCAGA variant (also known as p.N786_E788delinsK) is located in coding exon 16 of the PDGFRA gene. This variant results from an in-frame CTCAGA deletion at nucleotide positions 2358 to 2363. This results in the deletion of 3 amino acids (NSE) and the insertion of a single amino acid (K) at codons 786 to 788. These amino acid positions are generally well conserved in available vertebrate species. In addition, this variant is predicted to be neutral by in silico analysis (Choi Y et al. PLoS ONE. 2012; 7(10):e46688). Based on the available evidence, the clinical significance of this variant remains unclear.

NM_006206.6(PDGFRA):c.2358_2363del (p.Asn786_Glu788delinsLys)

Gene: PDGFRA (platelet derived growth factor receptor alpha; plus strand). Cytogenetic location: 4q12.
Variant type: Deletion.
Coding change: c.2358_2363del on transcript NM_006206.6 (MANE Select); coding-DNA positions 2358 to 2363, 6 bases deleted (CTCAGA; older notation c.2358_2363delCTCAGA).
Protein change: p.Asn786_Glu788delinsLys.
Molecular consequence: inframe indel.
Genome position (GRCh38, 1-based): chr4:54,285,405-54,285,410, CTCAGA deleted; deleting any 6 consecutive bases within chr4:54,285,404-54,285,410 gives the same sequence; the c. name uses the placement nearest the transcript's 3' end. VCF-style (leftmost placement, unchanged base first): chr4-54285403-AACTCAG-A. GRCh37 (hg19) VCF-style: chr4-55151570-AACTCAG-A.
Other names: c.2433_2438del, p.Asn811_Glu813delinsLys (NM_001347828.2); c.2358_2363del, p.Asn786_Glu788delinsLys (NM_001347829.2); c.2397_2402del, p.Asn799_Glu801delinsLys (NM_001347830.2).
Identifiers: ClinVar variation 4825449 (VCV004825449.1).